The following is an entry in ClinVar:

ClinVar aggregate classification (germline): Benign (1 of 4 stars; one submission).

Conditions:
Thyroid hormone resistance, generalized, autosomal dominant (GRTHD). Also called: HYPERTHYROXINEMIA, FAMILIAL EUTHYROID, SECONDARY TO PITUITARY AND PERIPHERAL RESISTANCE TO THYROID HORMONES. Identifiers: MedGen C2937288, MONDO:0008569, OMIM 188570.

Allele frequency attached by ClinVar (database versions not stated): TOPMed 0.00008; gnomAD 0.00010; 1000 Genomes Project 30x 0.00031; 1000 Genomes Project 0.00040.
gnomAD v4.1: 8 of 152,342 alleles (0.0053%); highest among the groups gnomAD compares: East Asian, 0.15%; no homozygotes.

Submission:

Illumina Laboratory Services, Illumina
Classification: Benign for Thyroid hormone resistance, generalized, autosomal dominant. Last evaluated: 2018-01-12. Review status: criteria provided, single submitter. Criteria: ICSL Variant Classification Criteria 13 December 2019. Collection method: clinical testing. Allele origin: germline.
Comment: This variant was observed in the ICSL laboratory as part of a predisposition screen in an ostensibly healthy population. It had not been previously curated by ICSL or reported in the Human Gene Mutation Database (HGMD: prior to June 1st, 2018), and was therefore a candidate for classification through an automated scoring system. Utilizing variant allele frequency, disease prevalence and penetrance estimates, and inheritance mode, an automated score was calculated to assess if this variant is too frequent to cause the disease. Based on the score and internal cut-off values, a variant classified as benign is not then subjected to further curation. The score for this variant resulted in a classification of benign for this disease.

NM_001354712.2(THRB):c.*3595G>C

Gene: THRB (thyroid hormone receptor beta; minus strand). Cytogenetic location: 3p24.2.
Variant type: single nucleotide variant.
Coding change: c.*3595G>C on transcript NM_001354712.2 (MANE Select); 3595 bases downstream of the stop codon, G replaced by C.
Molecular consequence: 3 prime UTR variant.
Genome position (GRCh38, 1-based): chr3:24,119,289, C>G on the plus strand (G>C on the coding strand, the complement: THRB is on the minus strand). VCF-style: chr3-24119289-C-G. GRCh37 (hg19) VCF-style: chr3-24160780-C-G.
Other names: c.*3595G>C (NM_000461.5, NM_001128176.3, NM_001128177.2 and 8 more transcripts).
Identifiers: ClinVar variation 344574 (VCV000344574.5), dbSNP rs572325175, ClinGen allele CA10618336.